The following is an entry in ClinVar:

ClinVar aggregate classification (germline): Uncertain significance (1 of 4 stars; one submission).

Submission:

Labcorp Genetics (formerly Invitae), Labcorp
Classification: Uncertain significance. Last evaluated: 2024-05-15. Review status: criteria provided, single submitter. Criteria: Invitae Variant Classification Sherloc (09022015). Collection method: clinical testing. Allele origin: germline.
Comment: This sequence change replaces serine, which is neutral and polar, with threonine, which is neutral and polar, at codon 650 of the FOXP1 protein (p.Ser650Thr). This variant is not present in population databases (gnomAD no frequency). This variant has not been reported in the literature in individuals affected with FOXP1-related conditions. ClinVar contains an entry for this variant (Variation ID: 2006700). Advanced modeling of protein sequence and biophysical properties (such as structural, functional, and spatial information, amino acid conservation, physicochemical variation, residue mobility, and thermodynamic stability) performed at Invitae indicates that this missense variant is not expected to disrupt FOXP1 protein function with a negative predictive value of 95%. In summary, the available evidence is currently insufficient to determine the role of this variant in disease. Therefore, it has been classified as a Variant of Uncertain Significance.

NM_001349338.3(FOXP1):c.1948T>A (p.Ser650Thr)

Gene: FOXP1 (forkhead box P1; minus strand). Cytogenetic location: 3p13.
Variant type: single nucleotide variant.
Coding change: c.1948T>A on transcript NM_001349338.3 (MANE Select); coding-DNA position 1948, T replaced by A.
Protein change: p.Ser650Thr; replaces serine 650 with threonine.
Molecular consequence: missense variant. On other transcripts: non-coding transcript variant (2).
Genome position (GRCh38, 1-based): chr3:70,959,333, A>T on the plus strand (T>A on the coding strand, the complement: FOXP1 is on the minus strand). VCF-style: chr3-70959333-A-T. GRCh37 (hg19) VCF-style: chr3-71008484-A-T.
Other names: c.1945T>A, p.Ser649Thr (NM_001244808.3, NM_001349341.3); c.1996T>A, p.Ser666Thr (NM_001244810.2); c.1948T>A, p.Ser650Thr (NM_001349340.3, NM_032682.6, NM_001244814.3 and 1 more transcripts); c.1648T>A, p.Ser550Thr (NM_001349342.3, NM_001244813.3, NM_001244815.2); c.1645T>A, p.Ser549Thr (NM_001349343.3, NM_001349344.3, NM_001370548.1 and 1 more transcripts); c.1720T>A, p.Ser574Thr (NM_001244812.3); short protein forms S549T, S574T, S649T, S550T, S650T, S666T.
Identifiers: ClinVar variation 2006700 (VCV002006700.4), dbSNP rs895839462, ClinGen allele CA76514455.